The following is an entry in ClinVar:

NM_017686.4(GDAP2):c.1303-10T>C

Gene: GDAP2 (ganglioside induced differentiation associated protein 2; minus strand). Cytogenetic location: 1p12.
Variant type: single nucleotide variant.
Coding change: c.1303-10T>C on transcript NM_017686.4 (MANE Select); 10 bases into the intron before coding-DNA position 1303, T replaced by C.
Molecular consequence: intron variant.
Genome position (GRCh38, 1-based): chr1:117,878,162, A>G on the plus strand (T>C on the coding strand, the complement: GDAP2 is on the minus strand). VCF-style: chr1-117878162-A-G. GRCh37 (hg19) VCF-style: chr1-118420784-A-G.
Other names: p.?; c.1303-10T>C (NM_001135589.3).
Identifiers: ClinVar variation 3055753 (VCV003055753.3), dbSNP rs2359465, ClinGen allele CA1031373.
Genomic context (GRCh38, chr1:117,878,162, plus strand): 5'-TTTGTCCTTCAGTCCTGAGACAGAAAAGGTGGTAAAAAACCATGTTGACACCTGATTAAT[A>G]GAAGAGAAAAAATAATTTAAGCTAGTTGCCATAGTTAGAAACATAAACACAATTTGGAAA-3'

ClinVar aggregate classification (germline): Benign. Review status: criteria provided, single submitter (1 of 4 stars). 2 submissions from 2 submitters: Benign (1). 1 of the submissions does not count toward it. Last evaluated 2023-06-09.

Conditions:
GDAP2-related disorder. Also called: GDAP2-related condition.

Allele frequency attached by ClinVar (database versions not stated): gnomAD exomes 0.00066; ESP Exome Variant Server 0.00692; 1000 Genomes Project 30x 0.00718; 1000 Genomes Project 0.00619; gnomAD 0.00687; TOPMed 0.00789; ExAC 0.00258.
gnomAD v4.1: 1,946 of 1,451,832 alleles (0.13%); highest among the groups gnomAD compares: African/African-American, 2.5%; 21 homozygotes.

Submissions (2):

Mayo Clinic Laboratories, Mayo Clinic
Classification: Benign. Last evaluated: 2023-06-09. Review status: criteria provided, single submitter. Criteria: ACMG Guidelines, 2015. Collection method: clinical testing. Allele origin: germline. Observed: 4 variant alleles.
Comment: BS1, BS2, BP4, BP7

PreventionGenetics, part of Exact Sciences
Classification: Benign for GDAP2-related condition. Last evaluated: 2019-08-01. Review status: no assertion criteria provided. Collection method: clinical testing. Allele origin: germline. Not counted in ClinVar's aggregate classification.
Comment: This variant is classified as benign based on ACMG/AMP sequence variant interpretation guidelines (Richards et al. 2015 PMID: 25741868, with internal and published modifications).